The following is an entry in ClinVar:

NM_000069.3(CACNA1S):c.3143A>G (p.Tyr1048Cys)

Gene: CACNA1S (calcium voltage-gated channel subunit alpha1 S; minus strand). Cytogenetic location: 1q32.1.
Variant type: single nucleotide variant.
Coding change: c.3143A>G on transcript NM_000069.3 (MANE Select); coding-DNA position 3143, A replaced by G.
Protein change: p.Tyr1048Cys; replaces tyrosine 1048 with cysteine.
Molecular consequence: missense variant.
Genome position (GRCh38, 1-based): chr1:201,061,379, T>C on the plus strand (A>G on the coding strand, the complement: CACNA1S is on the minus strand). VCF-style: chr1-201061379-T-C. GRCh37 (hg19) VCF-style: chr1-201030507-T-C.
Other names: short protein forms Y1048C.
Identifiers: ClinVar variation 936531 (VCV000936531.14), dbSNP rs745571736, ClinGen allele CA079564.

ClinVar aggregate classification (germline): Conflicting classifications of pathogenicity. Review status: criteria provided, conflicting classifications (1 of 4 stars). 3 submissions from 3 submitters: Uncertain significance (2); Likely benign (1). Last evaluated 2025-11-11.

Conditions:
Malignant hyperthermia, susceptibility to, 5 (MHS5). Also called: CACNA1S-Related Malignant Hyperthermia Susceptibility. Identifiers: Orphanet 423, MedGen C1866077, MONDO:0011163, OMIM 601887.
Hypokalemic periodic paralysis, type 1. Also called: HypoPP; Hypokalemic Periodic Paralysis Type 1 (AD). Identifiers: Orphanet 681, MedGen C3714580, MONDO:0042979, OMIM 170400.
Inborn genetic diseases. Identifiers: MedGen C0950123, MeSH D030342.

Allele frequency attached by ClinVar (database versions not stated): gnomAD exomes below 0.00001 and 0.00001; ExAC 0.00001; gnomAD 0.00007; TOPMed 0.00009.
gnomAD v4.1: 18 of 1,614,058 alleles (0.0011%); highest among the groups gnomAD compares: African/African-American, 0.02%; no homozygotes.

Submissions (3):

Color Diagnostics, LLC DBA Color Health
Classification: Uncertain significance for Malignant hyperthermia, susceptibility to, 5. Last evaluated: 2025-11-11. Review status: criteria provided, single submitter. Criteria: ACMG Guidelines, 2015. Collection method: clinical testing. Allele origin: germline.
Comment: This missense variant replaces tyrosine with cysteine at codon 1048 of the CACNA1S protein. Computational prediction suggests that this variant may have deleterious impact on protein structure and function. To our knowledge, functional studies have not been reported for this variant. This variant has not been reported in individuals affected with CACNA1S-related disorders in the literature. This variant has been identified in 18/1614058 chromosomes in the general population by the Genome Aggregation Database (gnomAD). The available evidence is insufficient to determine the role of this variant in disease conclusively. Therefore, this variant is classified as a Variant of Uncertain Significance.

Labcorp Genetics (formerly Invitae), Labcorp
Classification: Likely benign for Hypokalemic periodic paralysis, type 1; Malignant hyperthermia, susceptibility to, 5. Last evaluated: 2025-10-21. Review status: criteria provided, single submitter. Criteria: Invitae Variant Classification Sherloc (09022015). Collection method: clinical testing. Allele origin: germline.

Ambry Genetics
Classification: Uncertain significance for Inborn genetic diseases. Last evaluated: 2024-10-08. Review status: criteria provided, single submitter. Criteria: Ambry Variant Classification Scheme 2023. Collection method: clinical testing. Allele origin: germline.